The following is an entry in ClinVar:

ClinVar aggregate classification (germline): Uncertain significance. Review status: criteria provided, multiple submitters, no conflicts (2 of 4 stars). 4 submissions from 4 submitters: Uncertain significance (4). Last evaluated 2026-04-30.

Conditions:
Myoclonic dystonia 11 (DYT11). Also called: DYT-SGCE; Myoclonic dystonia; Dystonia 11; Dystonia, alcohol responsive; Hereditary essential myoclonus; SGCE Myoclonus-Dystonia. Identifiers: Orphanet 36899, MedGen C1834570, MONDO:0008044, OMIM 159900.
Inborn genetic diseases. Identifiers: MedGen C0950123, MeSH D030342.

Allele frequency attached by ClinVar (database versions not stated): TOPMed 0.00002.

Submissions (4):

Ambry Genetics
Classification: Uncertain significance for Inborn genetic diseases. Last evaluated: 2026-04-30. Review status: criteria provided, single submitter. Criteria: Ambry Variant Classification Scheme 2023. Collection method: clinical testing. Allele origin: germline.

Women's Health and Genetics/Laboratory Corporation of America, LabCorp
Classification: Uncertain significance. Last evaluated: 2024-06-11. Review status: criteria provided, single submitter. Criteria: LabCorp Variant Classification Summary - May 2015. Collection method: clinical testing. Allele origin: germline.
Comment: Variant summary: SGCE c.440T>G (p.Ile147Arg) results in a non-conservative amino acid change located in the Dystroglycan-type cadherin-like (IPR006644) of the encoded protein sequence. Five of five in-silico tools predict a damaging effect of the variant on protein function. The variant was absent in 248468 control chromosomes. The available data on variant occurrences in the general population are insufficient to allow any conclusion about variant significance. To our knowledge, no occurrence of c.440T>G in individuals affected with SGCE-related conditions and no experimental evidence demonstrating its impact on protein function have been reported. ClinVar contains an entry for this variant (Variation ID: 1018423). Based on the evidence outlined above, the variant was classified as uncertain significance.

GeneDx
Classification: Uncertain significance. Last evaluated: 2023-10-06. Review status: criteria provided, single submitter. Criteria: GeneDx Variant Classification Process June 2021. Collection method: clinical testing. Allele origin: germline. Affected: yes.
Comment: Not observed at significant frequency in large population cohorts (gnomAD); In silico analysis supports that this missense variant has a deleterious effect on protein structure/function; Has not been previously published as pathogenic or benign to our knowledge

Labcorp Genetics (formerly Invitae), Labcorp
Classification: Uncertain significance for Myoclonic dystonia 11. Last evaluated: 2022-11-28. Review status: criteria provided, single submitter. Criteria: Invitae Variant Classification Sherloc (09022015). Collection method: clinical testing. Allele origin: germline.
Comment: This variant is not present in population databases (gnomAD no frequency). This sequence change replaces isoleucine, which is neutral and non-polar, with arginine, which is basic and polar, at codon 147 of the SGCE protein (p.Ile147Arg). This variant has not been reported in the literature in individuals affected with SGCE-related conditions. ClinVar contains an entry for this variant (Variation ID: 1018423). Advanced modeling of protein sequence and biophysical properties (such as structural, functional, and spatial information, amino acid conservation, physicochemical variation, residue mobility, and thermodynamic stability) performed at Invitae indicates that this missense variant is not expected to disrupt SGCE protein function. In summary, the available evidence is currently insufficient to determine the role of this variant in disease. Therefore, it has been classified as a Variant of Uncertain Significance.

NM_003919.3(SGCE):c.440T>G (p.Ile147Arg)

Genes: CASD1 (CAS1 domain sialic acid O acetyltransferase 1; plus strand), SGCE (sarcoglycan epsilon; minus strand). Cytogenetic location: 7q21.3.
Variant type: single nucleotide variant.
Coding change: c.440T>G on transcript NM_003919.3 (MANE Select); coding-DNA position 440, T replaced by G.
Protein change: p.Ile147Arg; replaces isoleucine 147 with arginine.
Molecular consequence: missense variant.
Genome position (GRCh38, 1-based): chr7:94,623,348, A>C on the plus strand (T>G on the coding strand, the complement: SGCE is on the minus strand). VCF-style: chr7-94623348-A-C. GRCh37 (hg19) VCF-style: chr7-94252660-A-C.
Other names: c.440T>G (NM_003919.2); c.440T>G, p.Ile147Arg (NM_001099400.2, NM_001099401.2, NM_001346717.2); c.317T>G, p.Ile106Arg (NM_001301139.2, NM_001362809.2); c.548T>G, p.Ile183Arg (NM_001346713.2, NM_001346715.2); c.353T>G, p.Ile118Arg (NM_001346719.2, NM_001362807.2); c.167T>G, p.Ile56Arg (NM_001346720.2, NM_001362808.2); short protein forms I106R, I118R, I147R, I183R, I56R.
Identifiers: ClinVar variation 1018423 (VCV001018423.11), dbSNP rs1803133053, ClinGen allele CA368236676.